The following is an entry in ClinVar:

NM_000257.4(MYH7):c.4227C>G (p.Ala1409=)

Gene: MYH7 (myosin heavy chain 7; minus strand). Cytogenetic location: 14q11.2.
Variant type: single nucleotide variant.
Coding change: c.4227C>G on transcript NM_000257.4 (MANE Select); coding-DNA position 4227, C replaced by G.
Protein change: p.Ala1409=; no amino-acid change (alanine 1409 retained).
Molecular consequence: synonymous variant.
Genome position (GRCh38, 1-based): chr14:23,417,629, G>C on the plus strand (C>G on the coding strand, the complement: MYH7 is on the minus strand). VCF-style: chr14-23417629-G-C. GRCh37 (hg19) VCF-style: chr14-23886838-G-C.
Identifiers: ClinVar variation 42998 (VCV000042998.22), dbSNP rs148788346, ClinGen allele CA014683.

ClinVar aggregate classification (germline): Conflicting classifications of pathogenicity. Review status: criteria provided, conflicting classifications (1 of 4 stars). 8 submissions from 6 submitters: Uncertain significance (2); Likely benign (6). Last evaluated 2025-10-02.

Conditions:
Myosin storage myopathy (CMYO7A). Also called: SCAPULOPERONEAL MUSCULAR DYSTROPHY; SCAPULOPERONEAL SYNDROME, MYOPATHIC TYPE; MYH7-related late-onset scapuloperoneal muscular dystrophy; Congenital myopathy 7A, myosin storage, autosomal dominant; MYOPATHY WITH LYSIS OF TYPE I MYOFIBRILS; Scapuloperoneal myopathy, MYH7-related. Identifiers: Orphanet 437572, Orphanet 636965, MedGen C1842160, MONDO:0008409, OMIM 608358.
Cardiovascular phenotype. Identifiers: MedGen CN230736.
Cardiomyopathy (CMYO). Also called: Cardiomyopathies. Identifiers: Orphanet 167848, MedGen C0878544, MONDO:0004994, HP:0001638. Inheritance: Various modes of inheritance.
MYH7-related skeletal myopathy. Also called: Laing distal myopathy; Myopathy, distal, 1; MYOPATHY, DISTAL, EARLY-ONSET, AUTOSOMAL DOMINANT; MYOPATHY, LATE DISTAL HEREDITARY; Laing early-onset distal myopathy. Identifiers: Orphanet 59135, MedGen C4552004, MONDO:0008050, OMIM 160500.
Hypertrophic cardiomyopathy 1 (CMH1). Also called: MYH7-Related Familial Hypertrophic Cardiomyopathy; Familial hypertrophic cardiomyopathy 1. Identifiers: MedGen C3495498, MONDO:0008647, OMIM 192600.
Hypertrophic cardiomyopathy. Also called: HYPERTROPHIC MYOCARDIOPATHY. Identifiers: Orphanet 217569, MedGen C0007194, MeSH D002312, MONDO:0005045, HP:0001639.

Allele frequency attached by ClinVar (database versions not stated): TOPMed below 0.00001; gnomAD exomes 0.00001; ExAC 0.00002; ESP Exome Variant Server 0.00008.
gnomAD v4.1: 4 of 1,613,030 alleles (0.00025%); highest among the groups gnomAD compares: Non-Finnish European, 0.00034%; no homozygotes.

Submissions (8):

Labcorp Genetics (formerly Invitae), Labcorp
Classification: Likely benign for Hypertrophic cardiomyopathy. Last evaluated: 2025-10-02. Review status: criteria provided, single submitter. Criteria: Invitae Variant Classification Sherloc (09022015). Collection method: clinical testing. Allele origin: germline.

All of Us Research Program, National Institutes of Health
Classification: Likely benign for Cardiomyopathy. Last evaluated: 2023-04-28. Review status: criteria provided, single submitter. Criteria: ACMG Guidelines, 2015. Collection method: clinical testing. Allele origin: germline. Inheritance: Autosomal dominant inheritance. Observed: 2 variant alleles, 2 heterozygotes.
Comment: This study involves interpretation of variants in research participants for the purpose of population health screening. Participant phenotype was not available at the time of variant classification. Additional details can be found in publication PMID: 35346344, PMCID: PMC8962531

Color Diagnostics, LLC DBA Color Health
Classification: Likely benign for Cardiomyopathy. Last evaluated: 2018-12-04. Review status: criteria provided, single submitter. Criteria: ACMG Guidelines, 2015. Collection method: clinical testing. Allele origin: germline.

Ambry Genetics
Classification: Likely benign for Cardiovascular phenotype. Last evaluated: 2018-08-01. Review status: criteria provided, single submitter. Criteria: Ambry Variant Classification Scheme 2023. Collection method: clinical testing. Allele origin: germline.

Illumina Laboratory Services, Illumina
Classification: Likely benign for MYH7-related skeletal myopathy. Last evaluated: 2018-01-13. Review status: criteria provided, single submitter. Criteria: ICSL Variant Classification Criteria 13 December 2019. Collection method: clinical testing. Allele origin: germline.
Comment: This variant was observed in the ICSL laboratory as part of a predisposition screen in an ostensibly healthy population. It had not been previously curated by ICSL or reported in the Human Gene Mutation Database (HGMD: prior to June 1st, 2018), and was therefore a candidate for classification through an automated scoring system. Utilizing variant allele frequency, disease prevalence and penetrance estimates, and inheritance mode, an automated score was calculated to assess if this variant is too frequent to cause the disease. Based on the score and internal cut-off values, a variant classified as likely benign is not then subjected to further curation. The score for this variant resulted in a classification of likely benign for this disease.

Illumina Laboratory Services, Illumina
Classification: Uncertain significance for Myosin storage myopathy. Last evaluated: 2018-01-13. Review status: criteria provided, single submitter. Criteria: ICSL Variant Classification Criteria 13 December 2019. Collection method: clinical testing. Allele origin: germline.

Illumina Laboratory Services, Illumina
Classification: Uncertain significance for Hypertrophic cardiomyopathy 1. Last evaluated: 2018-01-13. Review status: criteria provided, single submitter. Criteria: ICSL Variant Classification Criteria 13 December 2019. Collection method: clinical testing. Allele origin: germline.

Laboratory for Molecular Medicine, Mass General Brigham Personalized Medicine
Classification: Likely benign. Last evaluated: 2010-09-28. Review status: criteria provided, single submitter. Criteria: LMM Criteria. Collection method: clinical testing. Allele origin: germline. Observed: 1 variant allele.
Comment: This variant is not expected to have clinical significance because it does not a lter an amino acid residue and is not located near a splice junction. Silent var iants can disrupt DNA sequence motifs that are important for mRNA splicing; howe ver, splicing variants are very rare in this gene. Therefore, it is unlikely tha t this variant is disease-causing.